The following is an entry in ClinVar:

NM_003482.4(KMT2D):c.6548A>G (p.Tyr2183Cys)

Gene: KMT2D (lysine methyltransferase 2D; minus strand). Cytogenetic location: 12q13.12.
Variant type: single nucleotide variant.
Coding change: c.6548A>G on transcript NM_003482.4 (MANE Select); coding-DNA position 6548, A replaced by G.
Protein change: p.Tyr2183Cys; replaces tyrosine 2183 with cysteine.
Molecular consequence: missense variant.
Genome position (GRCh38, 1-based): chr12:49,041,222, T>C on the plus strand (A>G on the coding strand, the complement: KMT2D is on the minus strand). VCF-style: chr12-49041222-T-C. GRCh37 (hg19) VCF-style: chr12-49435005-T-C.
Other names: short protein forms Y2183C.
Identifiers: ClinVar variation 1376417 (VCV001376417.8), dbSNP rs1281047785, ClinGen allele CA384750485.

ClinVar aggregate classification (germline): Uncertain significance (1 of 4 stars; one submission).

Conditions:
Kabuki syndrome. Also called: NIIKAWA-KUROKI SYNDROME; Kabuki make-up syndrome. Identifiers: Orphanet 2322, MedGen C0796004, MONDO:0016512.

Allele frequency attached by ClinVar (database versions not stated): gnomAD 0.00001; TOPMed 0.00001; gnomAD exomes 0.00004.
gnomAD v4.1: 24 of 1,511,656 alleles (0.0016%); highest among the groups gnomAD compares: East Asian, 0.055%; no homozygotes.

Submission:

Labcorp Genetics (formerly Invitae), Labcorp
Classification: Uncertain significance for Kabuki syndrome. Last evaluated: 2023-06-15. Review status: criteria provided, single submitter. Criteria: Invitae Variant Classification Sherloc (09022015). Collection method: clinical testing. Allele origin: germline.
Comment: In summary, the available evidence is currently insufficient to determine the role of this variant in disease. Therefore, it has been classified as a Variant of Uncertain Significance. Advanced modeling of protein sequence and biophysical properties (such as structural, functional, and spatial information, amino acid conservation, physicochemical variation, residue mobility, and thermodynamic stability) performed at Invitae indicates that this missense variant is not expected to disrupt KMT2D protein function. This sequence change replaces tyrosine, which is neutral and polar, with cysteine, which is neutral and slightly polar, at codon 2183 of the KMT2D protein (p.Tyr2183Cys). This variant is not present in population databases (gnomAD no frequency). This variant has not been reported in the literature in individuals affected with KMT2D-related conditions. ClinVar contains an entry for this variant (Variation ID: 1376417).